The following is an entry in ClinVar:

NM_000273.3(GPR143):c.75G>C (p.Gln25His)

Gene: GPR143 (G protein-coupled receptor 143; minus strand). Cytogenetic location: Xp22.2.
Variant type: single nucleotide variant.
Coding change: c.75G>C on transcript NM_000273.3 (MANE Select); coding-DNA position 75, G replaced by C.
Protein change: p.Gln25His; replaces glutamine 25 with histidine.
Molecular consequence: missense variant.
Genome position (GRCh38, 1-based): chrX:9,765,743, C>G on the plus strand (G>C on the coding strand, the complement: GPR143 is on the minus strand). VCF-style: chrX-9765743-C-G. GRCh37 (hg19) VCF-style: chrX-9733783-C-G.
Other names: short protein forms Q25H.
Identifiers: ClinVar variation 1802066 (VCV001802066.3), dbSNP rs2146705984, ClinGen allele CA412000843.

ClinVar aggregate classification (germline): Uncertain significance. Review status: criteria provided, multiple submitters, no conflicts (2 of 4 stars). 2 submissions from 2 submitters: Uncertain significance (2). Last evaluated 2024-11-19.

Submissions (2):

Labcorp Genetics (formerly Invitae), Labcorp
Classification: Uncertain significance. Last evaluated: 2024-11-19. Review status: criteria provided, single submitter. Criteria: Invitae Variant Classification Sherloc (09022015). Collection method: clinical testing. Allele origin: germline.
Comment: This sequence change replaces glutamine, which is neutral and polar, with histidine, which is basic and polar, at codon 25 of the GPR143 protein (p.Gln25His). This variant is not present in population databases (gnomAD no frequency). This variant has not been reported in the literature in individuals affected with GPR143-related conditions. ClinVar contains an entry for this variant (Variation ID: 1802066). Invitae Evidence Modeling of protein sequence and biophysical properties (such as structural, functional, and spatial information, amino acid conservation, physicochemical variation, residue mobility, and thermodynamic stability) indicates that this missense variant is not expected to disrupt GPR143 protein function with a negative predictive value of 95%. In summary, the available evidence is currently insufficient to determine the role of this variant in disease. Therefore, it has been classified as a Variant of Uncertain Significance.

GeneDx
Classification: Uncertain significance. Last evaluated: 2022-06-03. Review status: criteria provided, single submitter. Criteria: GeneDx Variant Classification Process June 2021. Collection method: clinical testing. Allele origin: germline. Affected: yes.
Comment: Not observed at significant frequency in large population cohorts (gnomAD); In silico analysis supports that this missense variant does not alter protein structure/function; Has not been previously published as pathogenic or benign to our knowledge